The following is an entry in ClinVar:

NM_001127198.5(TMC6):c.1346C>T (p.Ala449Val)

Gene: TMC6 (transmembrane channel like 6; minus strand). Cytogenetic location: 17q25.3.
Variant type: single nucleotide variant.
Coding change: c.1346C>T on transcript NM_001127198.5 (MANE Select); coding-DNA position 1346, C replaced by T.
Protein change: p.Ala449Val; replaces alanine 449 with valine.
Molecular consequence: missense variant. On other transcripts: non-coding transcript variant (4).
Genome position (GRCh38, 1-based): chr17:78,121,593, G>A on the plus strand (C>T on the coding strand, the complement: TMC6 is on the minus strand). VCF-style: chr17-78121593-G-A. GRCh37 (hg19) VCF-style: chr17-76117674-G-A.
Other names: c.1346C>T, p.Ala449Val (NM_001321185.1, NM_001374593.1, NM_001374594.1 and 4 more transcripts); short protein forms A449V.
Identifiers: ClinVar variation 1961386 (VCV001961386.2), dbSNP rs777068526, ClinGen allele CA8795782.
Genomic context (GRCh38, chr17:78,121,593, plus strand): 5'-CCAGGCTCCCCCCATCCCCGCACCTGGATCATGAACTCCGAGAAGACGTGGACGGCCACG[G>A]CGCAGCCCAGCGCGGTCCCCAGACACAGCAGCCACACAAGCCCCAGCACAGCCGCCTGCC-3'
Protein context (NP_001120670.1, residues 439-459): LLCLGTALGC[Ala449Val]VAVHVFSEFM

ClinVar aggregate classification (germline): Uncertain significance (1 of 4 stars; one submission).

Conditions:
Epidermodysplasia verruciformis. Identifiers: Orphanet 302, MedGen C0014522, MONDO:0009176.

Allele frequency attached by ClinVar (database versions not stated): gnomAD exomes below 0.00001; TOPMed below 0.00001; ExAC 0.00001; gnomAD 0.00001.
gnomAD v4.1: 4 of 1,611,370 alleles (0.00025%); highest among the groups gnomAD compares: Admixed American, 0.005%; no homozygotes.

Submission:

Labcorp Genetics (formerly Invitae), Labcorp
Classification: Uncertain significance for Epidermodysplasia verruciformis. Last evaluated: 2022-07-10. Review status: criteria provided, single submitter. Criteria: Invitae Variant Classification Sherloc (09022015). Collection method: clinical testing. Allele origin: germline.
Comment: This sequence change replaces alanine, which is neutral and non-polar, with valine, which is neutral and non-polar, at codon 449 of the TMC6 protein (p.Ala449Val). This variant is present in population databases (rs777068526, gnomAD 0.006%). This variant has not been reported in the literature in individuals affected with TMC6-related conditions. Algorithms developed to predict the effect of missense changes on protein structure and function are either unavailable or do not agree on the potential impact of this missense change (SIFT: "Not Available"; PolyPhen-2: "Benign"; Align-GVGD: "Not Available"). In summary, the available evidence is currently insufficient to determine the role of this variant in disease. Therefore, it has been classified as a Variant of Uncertain Significance.